The following is an entry in ClinVar:

NM_004320.6(ATP2A1):c.658T>C (p.Leu220=)

Gene: ATP2A1 (ATPase sarcoplasmic/endoplasmic reticulum Ca2+ transporting 1; plus strand). Cytogenetic location: 16p11.2.
Variant type: single nucleotide variant.
Coding change: c.658T>C on transcript NM_004320.6 (MANE Select); coding-DNA position 658, T replaced by C.
Protein change: p.Leu220=; no amino-acid change (leucine 220 retained).
Molecular consequence: synonymous variant.
Genome position (GRCh38, 1-based): chr16:28,887,452, T>C. VCF-style: chr16-28887452-T-C. GRCh37 (hg19) VCF-style: chr16-28898773-T-C.
Other names: c.283T>C, p.Leu95= (NM_001286075.2); c.658T>C, p.Leu220= (NM_173201.5).
Identifiers: ClinVar variation 389436 (VCV000389436.1), dbSNP rs1057523426, ClinGen allele CA16607256.
Genomic context (GRCh38, chr16:28,887,452, plus strand): 5'-GCCTGATTCCCTGCCTCCTCTTTCCCTTCCCAGGGCACCAACATTGCAGCCGGCAAGGCC[T>C]TGGGCATCGTGGCCACCACTGGTGTGGGCACCGAGATTGGGAAGATCCGAGACCAAATGG-3'
Protein context (NP_004311.1, residues 210-230): SGTNIAAGKA[Leu220=]GIVATTGVGT

ClinVar aggregate classification (germline): Likely benign (1 of 4 stars; one submission).

Submission:

GeneDx
Classification: Likely benign. Last evaluated: 2016-10-07. Review status: criteria provided, single submitter. Criteria: GeneDx Variant Classification (06012015). Collection method: clinical testing. Allele origin: germline. Affected: yes.
Comment: This variant is considered likely benign or benign based on one or more of the following criteria: it is a conservative change, it occurs at a poorly conserved position in the protein, it is predicted to be benign by multiple in silico algorithms, and/or has population frequency not consistent with disease.